The following is an entry in ClinVar:

ClinVar aggregate classification (germline): Uncertain significance (1 of 4 stars; one submission).

Allele frequency attached by ClinVar (database versions not stated): TOPMed below 0.00001; gnomAD exomes 0.00001.

Submission:

Labcorp Genetics (formerly Invitae), Labcorp
Classification: Uncertain significance. Last evaluated: 2025-05-19. Review status: criteria provided, single submitter. Criteria: Invitae Variant Classification Sherloc (09022015). Collection method: clinical testing. Allele origin: germline.
Comment: This sequence change replaces glycine, which is neutral and non-polar, with arginine, which is basic and polar, at codon 780 of the CLCN7 protein (p.Gly780Arg). The frequency data for this variant in the population databases is considered unreliable, as metrics indicate poor data quality at this position in the gnomAD database. This missense change has been observed in individual(s) with autosomal recessive osteopetrosis (PMID: 33125761). ClinVar contains an entry for this variant (Variation ID: 1926407). Invitae Evidence Modeling of protein sequence and biophysical properties (such as structural, functional, and spatial information, amino acid conservation, physicochemical variation, residue mobility, and thermodynamic stability) indicates that this missense variant is expected to disrupt CLCN7 protein function with a positive predictive value of 95%. Experimental studies have shown that this missense change affects CLCN7 function (PMID: 33125761). Algorithms developed to predict the effect of sequence changes on RNA splicing suggest that this variant may disrupt the consensus splice site. In summary, the available evidence is currently insufficient to determine the role of this variant in disease. Therefore, it has been classified as a Variant of Uncertain Significance.

Literature cited by the submitters: PubMed 33125761.

NM_001287.6(CLCN7):c.2338G>A (p.Gly780Arg)

Gene: CLCN7 (chloride voltage-gated channel 7; minus strand). Cytogenetic location: 16p13.3.
Variant type: single nucleotide variant.
Coding change: c.2338G>A on transcript NM_001287.6 (MANE Select); coding-DNA position 2338, G replaced by A.
Protein change: p.Gly780Arg; replaces glycine 780 with arginine.
Molecular consequence: missense variant.
Genome position (GRCh38, 1-based): chr16:1,446,711, C>T on the plus strand (G>A on the coding strand, the complement: CLCN7 is on the minus strand). VCF-style: chr16-1446711-C-T. GRCh37 (hg19) VCF-style: chr16-1496712-C-T.
Other names: c.2266G>A, p.Gly756Arg (NM_001114331.3); short protein forms G756R, G780R.
Identifiers: ClinVar variation 1926407 (VCV001926407.5), dbSNP rs766116666, ClinGen allele CA7809826.